The following is an entry in ClinVar:

NM_000193.4(SHH):c.1295T>A (p.Ile432Asn)

Gene: SHH (sonic hedgehog signaling molecule; minus strand). Cytogenetic location: 7q36.3.
Variant type: single nucleotide variant.
Coding change: c.1295T>A on transcript NM_000193.4 (MANE Select); coding-DNA position 1295, T replaced by A.
Protein change: p.Ile432Asn; replaces isoleucine 432 with asparagine.
Molecular consequence: missense variant. On other transcripts: intron variant (1).
Genome position (GRCh38, 1-based): chr7:155,802,994, A>T on the plus strand (T>A on the coding strand, the complement: SHH is on the minus strand). VCF-style: chr7-155802994-A-T. GRCh37 (hg19) VCF-style: chr7-155595688-A-T.
Other names: c.302-2749T>A (NM_001310462.2); short protein forms I432N.
Identifiers: ClinVar variation 5038267 (VCV005038267.1).

ClinVar aggregate classification (germline): Uncertain significance (1 of 4 stars; one submission).

Conditions:
Holoprosencephaly - NOT chromosomal.

Submission:

Genetics Laboratory, Great Ormond Street Hospital NHS Foundation Trust, North Thames Genomic Laboratory Hub
Classification: Uncertain significance for Holoprosencephaly - NOT chromosomal. Last evaluated: 2026-09-02. Review status: criteria provided, single submitter. Criteria: ACGS Best Practice Guidelines for Variant Classification in Rare Disease 2024 v1.2. Collection method: clinical testing. Allele origin: germline. Affected: yes.
Comment: PM2_moderate, PP3_supporting, PP2_supporting